The following is an entry in ClinVar:

ClinVar aggregate classification (germline): Benign. Review status: criteria provided, multiple submitters, no conflicts (2 of 4 stars). 12 submissions from 10 submitters: Benign (10). 2 of the submissions do not count toward it. Last evaluated 2026-02-04.

Conditions:
Osteopetrosis. Identifiers: Orphanet 2781, MedGen C0029454, MONDO:0017198, HP:0011002.
Autosomal recessive osteopetrosis 4. Also called: infantile malignant CLCN7-related recessive osteopetrosis; CLCN7-Related Osteopetrosis. Identifiers: Orphanet 667, MedGen C1969106, MONDO:0012676, OMIM 611490.
Autosomal dominant osteopetrosis 2. Also called: ALBERS-SCHONBERG DISEASE, AUTOSOMAL DOMINANT; Osteopetroses; Marble bones; Albers-Schonberg disease; Osteosclerosis fragilis; Albers-Schönberg osteopetrosis. Identifiers: Orphanet 53, MedGen C3179239, MONDO:0008156, OMIM 166600.
Hypopigmentation, organomegaly, and delayed myelination and development. Identifiers: MedGen C5203300, MONDO:0032805, OMIM 618541.

Allele frequency attached by ClinVar (database versions not stated): ESP Exome Variant Server 0.50931; gnomAD 0.51407; TOPMed 0.52428; 1000 Genomes Project 30x 0.54981; 1000 Genomes Project 0.55591.
gnomAD v4.1: 827,449 of 1,612,790 alleles (51%); highest among the groups gnomAD compares: East Asian, 70%; 214,127 homozygotes.

Submissions (12):

Labcorp Genetics (formerly Invitae), Labcorp
Classification: Benign. Last evaluated: 2026-02-04. Review status: criteria provided, single submitter. Criteria: Invitae Variant Classification Sherloc (09022015). Collection method: clinical testing. Allele origin: germline.

Blueprint Genetics
Classification: Benign. Last evaluated: 2024-11-27. Review status: criteria provided, single submitter. Criteria: ACMG Guidelines, 2015. Collection method: clinical testing. Allele origin: germline.

Mayo Clinic Laboratories, Mayo Clinic
Classification: Benign. Last evaluated: 2022-09-06. Review status: criteria provided, single submitter. Criteria: ACMG Guidelines, 2015. Collection method: clinical testing. Allele origin: germline. Observed: 41 variant alleles.

Genome-Nilou Lab
Classification: Benign for Hypopigmentation, organomegaly, and delayed myelination and development. Last evaluated: 2021-07-14. Review status: criteria provided, single submitter. Criteria: ACMG Guidelines, 2015. Collection method: clinical testing. Allele origin: germline. Affected: no.

Genome-Nilou Lab
Classification: Benign for Autosomal dominant osteopetrosis 2. Last evaluated: 2021-07-14. Review status: criteria provided, single submitter. Criteria: ACMG Guidelines, 2015. Collection method: clinical testing. Allele origin: germline. Affected: no.

Genome-Nilou Lab
Classification: Benign for Autosomal recessive osteopetrosis 4. Last evaluated: 2021-07-14. Review status: criteria provided, single submitter. Criteria: ACMG Guidelines, 2015. Collection method: clinical testing. Allele origin: germline. Affected: no.

GeneDx
Classification: Benign. Last evaluated: 2018-11-10. Review status: criteria provided, single submitter. Criteria: GeneDx Variant Classification Process June 2021. Collection method: clinical testing. Allele origin: germline. Affected: yes.

Illumina Laboratory Services, Illumina
Classification: Benign for Osteopetrosis. Last evaluated: 2018-01-13. Review status: criteria provided, single submitter. Criteria: ICSL Variant Classification Criteria 13 December 2019. Collection method: clinical testing. Allele origin: germline.
Comment: This variant was observed in the ICSL laboratory as part of a predisposition screen in an ostensibly healthy population. It had not been previously curated by ICSL or reported in the Human Gene Mutation Database (HGMD: prior to June 1st, 2018), and was therefore a candidate for classification through an automated scoring system. Utilizing variant allele frequency, disease prevalence and penetrance estimates, and inheritance mode, an automated score was calculated to assess if this variant is too frequent to cause the disease. Based on the score and internal cut-off values, a variant classified as benign is not then subjected to further curation. The score for this variant resulted in a classification of benign for this disease.

Breakthrough Genomics
Classification: Benign. Review status: criteria provided, single submitter. Criteria: ACMG Guidelines, 2015. Collection method: not provided. Allele origin: germline. Inheritance: Autosomal recessive inheritance. Affected: yes.

PreventionGenetics, part of Exact Sciences
Classification: Benign. Review status: criteria provided, single submitter. Criteria: ACMG Guidelines, 2015. Collection method: clinical testing. Allele origin: germline.

Diagnostic Laboratory, Department of Genetics, University Medical Center Groningen
Classification: Benign. Review status: no assertion criteria provided. Collection method: clinical testing. Allele origin: germline. Affected: yes. Study: VKGL Data-share Consensus. Not counted in ClinVar's aggregate classification.

Joint Genome Diagnostic Labs from Nijmegen and Maastricht, Radboudumc and MUMC+
Classification: Benign. Review status: no assertion criteria provided. Collection method: clinical testing. Allele origin: germline. Affected: yes. Study: VKGL Data-share Consensus. Not counted in ClinVar's aggregate classification.

NM_001287.6(CLCN7):c.1170A>T (p.Ala390=)

Gene: CLCN7 (Cl-/H+ antiporter 7; minus strand). Cytogenetic location: 16p13.3.
Variant type: single nucleotide variant.
Coding change: c.1170A>T on transcript NM_001287.6 (MANE Select); coding-DNA position 1170, A replaced by T.
Protein change: p.Ala390=; no amino-acid change (alanine 390 retained).
Molecular consequence: synonymous variant.
Genome position (GRCh38, 1-based): chr16:1,453,878, T>A on the plus strand (A>T on the coding strand, the complement: CLCN7 is on the minus strand). VCF-style: chr16-1453878-T-A. GRCh37 (hg19) VCF-style: chr16-1503879-T-A.
Other names: p.Ala390=; c.1098A>T, p.Ala366= (NM_001114331.3).
Identifiers: ClinVar variation 257949 (VCV000257949.26), dbSNP rs2235579, ClinGen allele CA7810382.
Genomic context (GRCh38, chr16:1,453,878, plus strand): 5'-TGCGGTTTCTCCTCACCTGATTCGAAACATGGTCAGCCAGTAGTTCAAGGCATTGAACAC[T>A]GCTCCAAGCACACCGCCTGCGAACAGGGGAAAGGCCAGTCAGCGACACCGGAGGAAAAGT-3'
Protein context (NP_001278.1, residues 380-400): AMGVVGGVLG[Ala390=]VFNALNYWLT